The following is an entry in ClinVar:

ClinVar aggregate classification (germline): Benign/Likely benign. Review status: criteria provided, multiple submitters, no conflicts (2 of 4 stars). 3 submissions from 3 submitters: Benign (2); Likely benign (1). Last evaluated 2023-03-01.

Allele frequency attached by ClinVar (database versions not stated): ExAC 0.00064; gnomAD exomes 0.00072; ESP Exome Variant Server 0.00085; TOPMed 0.00127; gnomAD 0.00134 and 0.00138; 1000 Genomes Project 0.00300; 1000 Genomes Project 30x 0.00359.
gnomAD v4.1: 796 of 1,613,990 alleles (0.049%); highest among the groups gnomAD compares: African/African-American, 0.36%; no homozygotes.

Submissions (3):

CeGaT Center for Human Genetics Tuebingen
Classification: Likely benign. Last evaluated: 2023-03-01. Review status: criteria provided, single submitter. Criteria: CeGaT Center For Human Genetics Tuebingen Variant Classification Criteria Version 2. Collection method: clinical testing. Allele origin: germline. Affected: yes. Observed: 1 variant allele.
Comment: UBR4: BP4, BP7, BS1

Labcorp Genetics (formerly Invitae), Labcorp
Classification: Benign. Last evaluated: 2019-12-31. Review status: criteria provided, single submitter. Criteria: Invitae Variant Classification Sherloc (09022015). Collection method: clinical testing. Allele origin: germline.

Breakthrough Genomics
Classification: Benign. Review status: criteria provided, single submitter. Criteria: ACMG Guidelines, 2015. Collection method: not provided. Allele origin: germline. Inheritance: Unknown mechanism. Affected: yes.

NM_020765.3(UBR4):c.9267A>G (p.Leu3089=)

Gene: UBR4 (ubiquitin protein ligase E3 component n-recognin 4; minus strand). Cytogenetic location: 1p36.13.
Variant type: single nucleotide variant.
Coding change: c.9267A>G on transcript NM_020765.3 (MANE Select); coding-DNA position 9267, A replaced by G.
Protein change: p.Leu3089=; no amino-acid change (leucine 3089 retained).
Molecular consequence: synonymous variant.
Genome position (GRCh38, 1-based): chr1:19,126,617, T>C on the plus strand (A>G on the coding strand, the complement: UBR4 is on the minus strand). VCF-style: chr1-19126617-T-C. GRCh37 (hg19) VCF-style: chr1-19453111-T-C.
Identifiers: ClinVar variation 723643 (VCV000723643.29), dbSNP rs143005308, ClinGen allele CA649481.